The following is an entry in ClinVar:

NM_015425.6(POLR1A):c.346G>A (p.Val116Met)

Gene: POLR1A (RNA polymerase I subunit A; minus strand). Cytogenetic location: 2p11.2.
Variant type: single nucleotide variant.
Coding change: c.346G>A on transcript NM_015425.6 (MANE Select); coding-DNA position 346, G replaced by A.
Protein change: p.Val116Met; replaces valine 116 with methionine.
Molecular consequence: missense variant.
Genome position (GRCh38, 1-based): chr2:86,098,697, C>T on the plus strand (G>A on the coding strand, the complement: POLR1A is on the minus strand). VCF-style: chr2-86098697-C-T. GRCh37 (hg19) VCF-style: chr2-86325820-C-T.
Other names: c.346G>A (NM_015425.3); short protein forms V116M.
Identifiers: ClinVar variation 1359284 (VCV001359284.6), dbSNP rs368313753, ClinGen allele CA1746685.

ClinVar aggregate classification (germline): Uncertain significance. Review status: criteria provided, multiple submitters, no conflicts (2 of 4 stars). 2 submissions from 2 submitters: Uncertain significance (2). Last evaluated 2024-02-23.

Conditions:
Inborn genetic diseases. Identifiers: MedGen C0950123, MeSH D030342.

Allele frequency attached by ClinVar (database versions not stated): gnomAD exomes 0.00002 and 0.00004; ExAC 0.00003; TOPMed 0.00003; gnomAD 0.00004; ESP Exome Variant Server 0.00016.
gnomAD v4.1: 37 of 1,613,644 alleles (0.0023%); highest among the groups gnomAD compares: Non-Finnish European, 0.0028%; no homozygotes.

Submissions (2):

Labcorp Genetics (formerly Invitae), Labcorp
Classification: Uncertain significance. Last evaluated: 2024-02-23. Review status: criteria provided, single submitter. Criteria: Invitae Variant Classification Sherloc (09022015). Collection method: clinical testing. Allele origin: germline.
Comment: This sequence change replaces valine, which is neutral and non-polar, with methionine, which is neutral and non-polar, at codon 116 of the POLR1A protein (p.Val116Met). This variant is present in population databases (rs368313753, gnomAD 0.006%). This variant has not been reported in the literature in individuals affected with POLR1A-related conditions. ClinVar contains an entry for this variant (Variation ID: 1359284). Advanced modeling of protein sequence and biophysical properties (such as structural, functional, and spatial information, amino acid conservation, physicochemical variation, residue mobility, and thermodynamic stability) performed at Invitae indicates that this missense variant is not expected to disrupt POLR1A protein function with a negative predictive value of 80%. In summary, the available evidence is currently insufficient to determine the role of this variant in disease. Therefore, it has been classified as a Variant of Uncertain Significance.

Ambry Genetics
Classification: Uncertain significance for Inborn genetic diseases. Last evaluated: 2021-07-14. Review status: criteria provided, single submitter. Criteria: Ambry Variant Classification Scheme 2023. Collection method: clinical testing. Allele origin: germline.